The following is an entry in ClinVar:

NM_001080421.3(UNC13A):c.2541C>T (p.Asp847=)

Gene: UNC13A (unc-13 homolog A; minus strand). Cytogenetic location: 19p13.11.
Variant type: single nucleotide variant.
Coding change: c.2541C>T on transcript NM_001080421.3 (MANE Select); coding-DNA position 2541, C replaced by T.
Protein change: p.Asp847=; no amino-acid change (aspartic acid 847 retained).
Molecular consequence: synonymous variant.
Genome position (GRCh38, 1-based): chr19:17,641,488, G>A on the plus strand (C>T on the coding strand, the complement: UNC13A is on the minus strand). VCF-style: chr19-17641488-G-A. GRCh37 (hg19) VCF-style: chr19-17752297-G-A.
Other names: c.2535C>T, p.Asp845= (NM_001387021.1, NM_001387022.1, NM_001387023.1).
Identifiers: ClinVar variation 3047078 (VCV003047078.2), dbSNP rs565106177, ClinGen allele CA9298220.

ClinVar aggregate classification (germline): Likely benign (0 of 4 stars; one submission).

Conditions:
UNC13A-related disorder. Also called: UNC13A-related condition.

Allele frequency attached by ClinVar (database versions not stated): TOPMed 0.00002; gnomAD 0.00003; gnomAD exomes 0.00012; ExAC 0.00031.
gnomAD v4.1: 174 of 1,613,914 alleles (0.011%); highest among the groups gnomAD compares: South Asian, 0.15%; 1 homozygote.

Submission:

PreventionGenetics, part of Exact Sciences
Classification: Likely benign for UNC13A-related condition. Last evaluated: 2024-02-08. Review status: no assertion criteria provided. Collection method: clinical testing. Allele origin: germline.
Comment: This variant is classified as likely benign based on ACMG/AMP sequence variant interpretation guidelines (Richards et al. 2015 PMID: 25741868, with internal and published modifications).